The following is an entry in ClinVar:

ClinVar aggregate classification (germline): Uncertain significance (1 of 4 stars; one submission).

Conditions:
Shprintzen-Goldberg syndrome (SGS). Also called: Marfanoid disorder with craniosynostosis type 1; Marfanoid craniosynostosis syndrome; Shprintzen-Goldberg marfanoid syndrome; SHPRINTZEN-GOLDBERG CRANIOSYNOSTOSIS SYNDROME; CRANIOSYNOSTOSIS WITH ARACHNODACTYLY AND ABDOMINAL HERNIAS. Identifiers: Orphanet 2462, MedGen C1321551, MONDO:0008426, OMIM 182212.

gnomAD v4.1: 1 of 1,612,516 alleles (0.000062%); highest among the groups gnomAD compares: Non-Finnish European, 0.000085%; no homozygotes.

Submission:

Labcorp Genetics (formerly Invitae), Labcorp
Classification: Uncertain significance for Shprintzen-Goldberg syndrome. Last evaluated: 2025-11-05. Review status: criteria provided, single submitter. Criteria: Invitae Variant Classification Sherloc (09022015). Collection method: clinical testing. Allele origin: germline.
Comment: This sequence change replaces proline, which is neutral and non-polar, with alanine, which is neutral and non-polar, at codon 452 of the SKI protein (p.Pro452Ala). This variant is not present in population databases (gnomAD no frequency). This variant has not been reported in the literature in individuals affected with SKI-related conditions. Invitae Evidence Modeling of protein sequence and biophysical properties (such as structural, functional, and spatial information, amino acid conservation, physicochemical variation, residue mobility, and thermodynamic stability) indicates that this missense variant is not expected to disrupt SKI protein function with a negative predictive value of 95%. In summary, the available evidence is currently insufficient to determine the role of this variant in disease. Therefore, it has been classified as a Variant of Uncertain Significance.

NM_003036.4(SKI):c.1354C>G (p.Pro452Ala)

Gene: SKI (SKI proto-oncogene; plus strand). Cytogenetic location: 1p36.32.
Variant type: single nucleotide variant.
Coding change: c.1354C>G on transcript NM_003036.4 (MANE Select); coding-DNA position 1354, C replaced by G.
Protein change: p.Pro452Ala; replaces proline 452 with alanine.
Molecular consequence: missense variant.
Genome position (GRCh38, 1-based): chr1:2,303,982, C>G. VCF-style: chr1-2303982-C-G. GRCh37 (hg19) VCF-style: chr1-2235421-C-G.
Other names: short protein forms P452A.
Identifiers: ClinVar variation 4765106 (VCV004765106.1).